The following is an entry in ClinVar:

ClinVar aggregate classification (germline): not provided (0 of 4 stars; one submission).

Conditions:
Normal pregnancy. Identifiers: MedGen C0232989.

Submission:

Institute of Molecular and Cell Biology, University of Tartu
No classification provided. Condition: Normal pregnancy. Review status: no classification provided. Collection method: case-control. Allele origin: unknown. Affected: yes. Study: Kasak2014.
Comment: The study aimed to determine the contribution of copy number variants in the genetic etiology of normal and complicated pregnancies. The samples represented (i) maternal blood DNA drawn from healthy pregnant women during 1st or 2nd trimester and (ii) maternal and paternal blood DNA drawn at term pregnancy cases representing normal and complicated gestations (severe preeclampsia, PE; gestational diabetes, GD; small-for-gestational age newborn, SGA; large-for-gestational age newborn, LGA). We performed CNV calling based on genome-wide genotyping dataset (Illumina HumanOmniExpress-24-v1 BeadChip) by applying three algorithms, QuantiSNP, GADA (Genome Alteration Detection Algorithm) and CNstream in parallel. The acquired CNV calls were merged with HD-CNV (Hotspot Detector for Copy Number Variants) program and only the CNVs predicted by at least two programs, were considered in subsequent analysis.

Literature cited by the submitters: PubMed 25666259.

NM_001037132.4(NRCAM):c.-331-26289_-331-18537del

Gene: NRCAM (neuronal cell adhesion molecule; minus strand). Cytogenetic location: 7q31.1.
Variant type: Deletion.
Coding change: c.-331-26289_-331-18537del on transcript NM_001037132.4 (MANE Select); 26289 bases into the intron before 331 bases upstream of the start codon through 18537 bases into the intron before 331 bases upstream of the start codon, 7,753 bases deleted.
Molecular consequence: intron variant.
Genome position (GRCh38, 1-based): chr7:108,418,130-108,425,882, 7,753 bases deleted. GRCh37 (hg19): chr7:108,058,575-108,066,327.
Other names: c.-331-26289_-331-18537del (NM_001371122.1, NM_001371124.1, NM_001371119.1 and 29 more transcripts); c.-174+30361_-174+38113del (NM_001371151.1); c.-389-26289_-389-18537del (NM_001371164.1, NM_001371148.1, NM_001371170.1); c.-407-26289_-407-18537del (NM_001371125.1, NM_001371143.1); c.-1071-26289_-1071-18537del (NM_001371137.1); c.-611-26289_-611-18537del (NM_001371147.1, NM_001371142.1); c.-595-26289_-595-18537del (NM_001371133.1, NM_001371144.1); c.-382-26289_-382-18537del (NM_001371141.1); and 8 more.
Identifiers: ClinVar variation 157065 (VCV000157065.2), ClinGen allele CA212191.